The following is an entry in ClinVar:

NM_001358921.2(COQ2):c.1028T>C (p.Val343Ala)

Gene: COQ2 (coenzyme Q2, polyprenyltransferase; minus strand). Cytogenetic location: 4q21.23.
Variant type: single nucleotide variant.
Coding change: c.1028T>C on transcript NM_001358921.2 (MANE Select); coding-DNA position 1028, T replaced by C.
Protein change: p.Val343Ala; replaces valine 343 with alanine.
Molecular consequence: missense variant.
Genome position (GRCh38, 1-based): chr4:83,264,287, A>G on the plus strand (T>C on the coding strand, the complement: COQ2 is on the minus strand). VCF-style: chr4-83264287-A-G. GRCh37 (hg19) VCF-style: chr4-84185440-A-G.
Other names: p.V393A:GTT>GCT; p.Val393Ala; c.1178T>C, p.Val393Ala (NM_015697.9); c.1178T>C (NM_015697.8); short protein forms V393A, V343A.
Identifiers: ClinVar variation 214217 (VCV000214217.13), dbSNP rs148156462, ClinGen allele CA323452.

ClinVar aggregate classification (germline): Benign/Likely benign. Review status: criteria provided, multiple submitters, no conflicts (2 of 4 stars). 7 submissions from 7 submitters: Benign (5); Likely benign (2). Last evaluated 2026-02-01.

Allele frequency attached by ClinVar (database versions not stated): gnomAD exomes 0.00112 and 0.00415; gnomAD 0.00159 and 0.00188; TOPMed 0.00289; ExAC 0.00364; 1000 Genomes Project 0.00639; 1000 Genomes Project 30x 0.00687.
gnomAD v4.1: 1,926 of 1,612,214 alleles (0.12%); highest among the groups gnomAD compares: East Asian, 1.7%; 28 homozygotes.

Submissions (7):

Labcorp Genetics (formerly Invitae), Labcorp
Classification: Benign. Last evaluated: 2026-02-01. Review status: criteria provided, single submitter. Criteria: Invitae Variant Classification Sherloc (09022015). Collection method: clinical testing. Allele origin: germline.

Blueprint Genetics
Classification: Likely benign. Last evaluated: 2024-10-29. Review status: criteria provided, single submitter. Criteria: ACMG Guidelines, 2015. Collection method: clinical testing. Allele origin: germline.

ARUP Laboratories, Molecular Genetics and Genomics, ARUP Laboratories
Classification: Likely benign. Last evaluated: 2023-09-13. Review status: criteria provided, single submitter. Criteria: ARUP Molecular Germline Variant Investigation Process 2024. Collection method: clinical testing. Allele origin: germline.

Mayo Clinic Laboratories, Mayo Clinic
Classification: Benign. Last evaluated: 2022-11-15. Review status: criteria provided, single submitter. Criteria: ACMG Guidelines, 2015. Collection method: clinical testing. Allele origin: germline. Observed: 14 variant alleles.
Comment: BS1, BS2

GeneDx
Classification: Benign. Last evaluated: 2017-05-23. Review status: criteria provided, single submitter. Criteria: GeneDx Variant Classification (06012015). Collection method: clinical testing. Allele origin: germline. Affected: yes.
Comment: This variant is considered likely benign or benign based on one or more of the following criteria: it is a conservative change, it occurs at a poorly conserved position in the protein, it is predicted to be benign by multiple in silico algorithms, and/or has population frequency not consistent with disease.

Breakthrough Genomics
Classification: Benign. Review status: criteria provided, single submitter. Criteria: ACMG Guidelines, 2015. Collection method: not provided. Allele origin: germline. Inheritance: Autosomal recessive inheritance. Affected: yes.

PreventionGenetics, part of Exact Sciences
Classification: Benign. Review status: criteria provided, single submitter. Criteria: ACMG Guidelines, 2015. Collection method: clinical testing. Allele origin: germline.